The following is an entry in ClinVar:

ClinVar aggregate classification (germline): Uncertain significance. Review status: criteria provided, multiple submitters, no conflicts (2 of 4 stars). 4 submissions from 4 submitters: Uncertain significance (4). Last evaluated 2025-08-21.

Conditions:
Autosomal recessive nonsyndromic hearing loss 30. Identifiers: Orphanet 90636, MedGen C1846784, MONDO:0011774, OMIM 607101.
Inborn genetic diseases. Identifiers: MedGen C0950123, MeSH D030342.

Allele frequency attached by ClinVar (database versions not stated): gnomAD 0.00001; ExAC 0.00002; gnomAD exomes 0.00002; TOPMed 0.00002.
gnomAD v4.1: 32 of 1,614,028 alleles (0.002%); highest among the groups gnomAD compares: South Asian, 0.018%; no homozygotes.

Submissions (4):

Ambry Genetics
Classification: Uncertain significance for Inborn genetic diseases. Last evaluated: 2025-08-21. Review status: criteria provided, single submitter. Criteria: Ambry Variant Classification Scheme 2023. Collection method: clinical testing. Allele origin: germline.

Labcorp Genetics (formerly Invitae), Labcorp
Classification: Uncertain significance. Last evaluated: 2023-07-17. Review status: criteria provided, single submitter. Criteria: Invitae Variant Classification Sherloc (09022015). Collection method: clinical testing. Allele origin: germline.
Comment: ClinVar contains an entry for this variant (Variation ID: 299647). This variant has not been reported in the literature in individuals affected with MYO3A-related conditions. This variant is present in population databases (rs766118638, gnomAD 0.01%). This sequence change replaces methionine, which is neutral and non-polar, with valine, which is neutral and non-polar, at codon 236 of the MYO3A protein (p.Met236Val). An algorithm developed to predict the effect of missense changes on protein structure and function (PolyPhen-2) suggests that this variant is likely to be disruptive. In summary, the available evidence is currently insufficient to determine the role of this variant in disease. Therefore, it has been classified as a Variant of Uncertain Significance.

Blueprint Genetics
Classification: Uncertain significance. Last evaluated: 2023-06-02. Review status: criteria provided, single submitter. Criteria: ACMG Guidelines, 2015. Collection method: clinical testing. Allele origin: germline.

Illumina Laboratory Services, Illumina
Classification: Uncertain significance for Autosomal recessive nonsyndromic hearing loss 30. Last evaluated: 2018-01-12. Review status: criteria provided, single submitter. Criteria: ICSL Variant Classification Criteria 13 December 2019. Collection method: clinical testing. Allele origin: germline.

NM_017433.5(MYO3A):c.706A>G (p.Met236Val)

Gene: MYO3A (myosin IIIA; plus strand). Cytogenetic location: 10p12.1.
Variant type: single nucleotide variant.
Coding change: c.706A>G on transcript NM_017433.5 (MANE Select); coding-DNA position 706, A replaced by G.
Protein change: p.Met236Val; replaces methionine 236 with valine.
Molecular consequence: missense variant.
Genome position (GRCh38, 1-based): chr10:26,021,623, A>G. VCF-style: chr10-26021623-A-G. GRCh37 (hg19) VCF-style: chr10-26310552-A-G.
Other names: c.706A>G, p.Met236Val (NM_001368265.1); short protein forms M236V.
Identifiers: ClinVar variation 299647 (VCV000299647.10), dbSNP rs766118638, ClinGen allele CA5444399.